The following is an entry in ClinVar:

NM_174916.3(UBR1):c.4704del (p.Trp1568fs)

Gene: UBR1 (ubiquitin protein ligase E3 component n-recognin 1; minus strand). Cytogenetic location: 15q15.2.
Variant type: Deletion.
Coding change: c.4704del on transcript NM_174916.3 (MANE Select); coding-DNA position 4704, one base deleted (G; older notation c.4704delG).
Protein change: p.Trp1568fs; shifts the reading frame from tryptophan 1568.
Molecular consequence: frameshift variant.
Genome position (GRCh38, 1-based): chr15:42,960,698, C deleted on the plus strand (G on the coding strand, the reverse complement: UBR1 is on the minus strand); the first of 2 consecutive C bases (chr15:42,960,698-42,960,699); deleting either gives the same sequence. VCF-style (leftmost placement, unchanged base first): chr15-42960697-AC-A. GRCh37 (hg19) VCF-style: chr15-43252895-AC-A.
Other names: short protein forms W1568fs.
Identifiers: ClinVar variation 2752248 (VCV002752248.3), dbSNP rs2542898051, ClinGen allele CA2697554391.

ClinVar aggregate classification (germline): Pathogenic (1 of 4 stars; one submission).

Submission:

Labcorp Genetics (formerly Invitae), Labcorp
Classification: Pathogenic. Last evaluated: 2023-08-11. Review status: criteria provided, single submitter. Criteria: Invitae Variant Classification Sherloc (09022015). Collection method: clinical testing. Allele origin: germline.
Comment: For these reasons, this variant has been classified as Pathogenic. This variant has not been reported in the literature in individuals affected with UBR1-related conditions. This variant is not present in population databases (gnomAD no frequency). This sequence change creates a premature translational stop signal (p.Trp1568Cysfs*8) in the UBR1 gene. It is expected to result in an absent or disrupted protein product. Loss-of-function variants in UBR1 are known to be pathogenic (PMID: 24599544).

Literature cited by the submitters: PubMed 24599544.